The following is an entry in ClinVar:

NM_007348.4(ATF6):c.688+4C>G

Gene: ATF6 (activating transcription factor 6; plus strand). Cytogenetic location: 1q23.3.
Variant type: single nucleotide variant.
Coding change: c.688+4C>G on transcript NM_007348.4 (MANE Select); 4 bases into the intron after coding-DNA position 688, C replaced by G.
Molecular consequence: intron variant.
Genome position (GRCh38, 1-based): chr1:161,792,331, C>G. VCF-style: chr1-161792331-C-G. GRCh37 (hg19) VCF-style: chr1-161762121-C-G.
Identifiers: ClinVar variation 1009565 (VCV001009565.5), dbSNP rs368017110, ClinGen allele CA1214260.

ClinVar aggregate classification (germline): Uncertain significance (1 of 4 stars; one submission).

Allele frequency attached by ClinVar (database versions not stated): gnomAD exomes below 0.00001; ExAC 0.00001; TOPMed 0.00002; ESP Exome Variant Server 0.00008.

Submission:

Labcorp Genetics (formerly Invitae), Labcorp
Classification: Uncertain significance. Last evaluated: 2023-11-27. Review status: criteria provided, single submitter. Criteria: Invitae Variant Classification Sherloc (09022015). Collection method: clinical testing. Allele origin: germline.
Comment: This sequence change falls in intron 6 of the ATF6 gene. It does not directly change the encoded amino acid sequence of the ATF6 protein. It affects a nucleotide within the consensus splice site. This variant is not present in population databases (gnomAD no frequency). This variant has not been reported in the literature in individuals affected with ATF6-related conditions. ClinVar contains an entry for this variant (Variation ID: 1009565). Variants that disrupt the consensus splice site are a relatively common cause of aberrant splicing (PMID: 17576681, 9536098). Algorithms developed to predict the effect of sequence changes on RNA splicing suggest that this variant is not likely to affect RNA splicing. In summary, the available evidence is currently insufficient to determine the role of this variant in disease. Therefore, it has been classified as a Variant of Uncertain Significance.

Literature cited by the submitters: PubMed 17576681; PubMed 9536098.